The following is an entry in ClinVar:

ClinVar aggregate classification (germline): Uncertain significance (1 of 4 stars; one submission).

Allele frequency attached by ClinVar (database versions not stated): ExAC 0.00001; gnomAD exomes 0.00001 and 0.00003.
gnomAD v4.1: 37 of 1,614,192 alleles (0.0023%); highest among the groups gnomAD compares: Non-Finnish European, 0.0031%; no homozygotes.

Submission:

Labcorp Genetics (formerly Invitae), Labcorp
Classification: Uncertain significance. Last evaluated: 2021-03-29. Review status: criteria provided, single submitter. Criteria: Invitae Variant Classification Sherloc (09022015). Collection method: clinical testing. Allele origin: germline.
Comment: This sequence change replaces glutamic acid with glutamine at codon 952 of the MERTK protein (p.Glu952Gln). The glutamic acid residue is moderately conserved and there is a small physicochemical difference between glutamic acid and glutamine. This variant is present in population databases (rs751837884, ExAC 0.002%). This variant has not been reported in the literature in individuals with MERTK-related conditions. Algorithms developed to predict the effect of missense changes on protein structure and function (SIFT, PolyPhen-2, Align-GVGD) all suggest that this variant is likely to be tolerated, but these predictions have not been confirmed by published functional studies and their clinical significance is uncertain. In summary, the available evidence is currently insufficient to determine the role of this variant in disease. Therefore, it has been classified as a Variant of Uncertain Significance.

NM_006343.3(MERTK):c.2854G>C (p.Glu952Gln)

Gene: MERTK (MER proto-oncogene, tyrosine kinase; plus strand). Cytogenetic location: 2q13.
Variant type: single nucleotide variant.
Coding change: c.2854G>C on transcript NM_006343.3 (MANE Select); coding-DNA position 2854, G replaced by C.
Protein change: p.Glu952Gln; replaces glutamic acid 952 with glutamine.
Molecular consequence: missense variant.
Genome position (GRCh38, 1-based): chr2:112,028,718, G>C. VCF-style: chr2-112028718-G-C. GRCh37 (hg19) VCF-style: chr2-112786295-G-C.
Other names: short protein forms E952Q.
Identifiers: ClinVar variation 1482356 (VCV001482356.8), dbSNP rs751837884, ClinGen allele CA1831991.